The following is an entry in ClinVar:

ClinVar aggregate classification (germline): Uncertain significance (1 of 4 stars; one submission).

Conditions:
TTN-related disorder. Also called: TTN-related disorders; TTN-related condition; TTN-related disease.

gnomAD v4.1: 1 of 1,607,572 alleles (0.000062%); highest among the groups gnomAD compares: East Asian, 0.0022%; no homozygotes.

Submission:

PreventionGenetics, part of Exact Sciences
Classification: Uncertain significance for TTN-related condition. Last evaluated: 2026-08-11. Review status: criteria provided, single submitter. Criteria: ACMG Guidelines, 2015. Collection method: clinical testing. Allele origin: germline.
Comment: The TTN c.22493G>A variant is predicted to result in the amino acid substitution p.Gly7498Glu. To our knowledge, this variant has not been reported in the literature or in a large population database (gnomAD), indicating this variant is rare. At this time, the clinical significance of this variant is uncertain due to the absence of conclusive functional and genetic evidence.

NM_001267550.2(TTN):c.22493G>A (p.Gly7498Glu)

Gene: TTN (titin; minus strand). Cytogenetic location: 2q31.2.
Variant type: single nucleotide variant.
Coding change: c.22493G>A on transcript NM_001267550.2 (MANE Select); coding-DNA position 22493, G replaced by A.
Protein change: p.Gly7498Glu; replaces glycine 7498 with glutamic acid.
Molecular consequence: missense variant. On other transcripts: intron variant (3).
Genome position (GRCh38, 1-based): chr2:178,722,294, C>T on the plus strand (G>A on the coding strand, the complement: TTN is on the minus strand). VCF-style: chr2-178722294-C-T. GRCh37 (hg19) VCF-style: chr2-179587021-C-T.
Other names: c.21542G>A, p.Gly7181Glu (NM_001256850.1); c.18761G>A, p.Gly6254Glu (NM_133378.4); c.13282+15788G>A (NM_003319.4); c.13858+15788G>A (NM_133437.4); c.13657+15788G>A (NM_133432.3); short protein forms G7181E, G7498E, G6254E.
Identifiers: ClinVar variation 4981840 (VCV004981840.1).